The following is an entry in ClinVar:

NM_014754.3(PTDSS1):c.544C>G (p.Leu182Val)

Gene: PTDSS1 (phosphatidylserine synthase 1; plus strand). Cytogenetic location: 8q22.1.
Variant type: single nucleotide variant.
Coding change: c.544C>G on transcript NM_014754.3 (MANE Select); coding-DNA position 544, C replaced by G.
Protein change: p.Leu182Val; replaces leucine 182 with valine.
Molecular consequence: missense variant.
Genome position (GRCh38, 1-based): chr8:96,295,200, C>G. VCF-style: chr8-96295200-C-G. GRCh37 (hg19) VCF-style: chr8-97307428-C-G.
Other names: c.106C>G, p.Leu36Val (NM_001290225.2); short protein forms L36V, L182V.
Identifiers: ClinVar variation 1515046 (VCV001515046.6), dbSNP rs753241269, ClinGen allele CA4816602.
Genomic context (GRCh38, chr8:96,295,200, plus strand): 5'-ATCAGCCACTTTGATATTTTTGCATTTGGACATTTCTGGGGCTGGGCCATGAAGGCCTTG[C>G]TGATCCGTAGTTACGGTCTCTGCTGGACAATCAGTATTACCTGGGAGCTGACTGAGGTAA-3'
Protein context (NP_055569.1, residues 172-192): HFWGWAMKAL[Leu182Val]IRSYGLCWTI

ClinVar aggregate classification (germline): Uncertain significance (1 of 4 stars; one submission).

Allele frequency attached by ClinVar (database versions not stated): gnomAD exomes below 0.00001 and 0.00001; ExAC 0.00001; gnomAD 0.00001.
gnomAD v4.1: 9 of 1,614,072 alleles (0.00056%); highest among the groups gnomAD compares: Admixed American, 0.0033%; no homozygotes.

Submission:

Labcorp Genetics (formerly Invitae), Labcorp
Classification: Uncertain significance. Last evaluated: 2024-01-03. Review status: criteria provided, single submitter. Criteria: Invitae Variant Classification Sherloc (09022015). Collection method: clinical testing. Allele origin: germline.
Comment: This sequence change replaces leucine, which is neutral and non-polar, with valine, which is neutral and non-polar, at codon 182 of the PTDSS1 protein (p.Leu182Val). This variant is present in population databases (rs753241269, gnomAD 0.007%). This variant has not been reported in the literature in individuals affected with PTDSS1-related conditions. ClinVar contains an entry for this variant (Variation ID: 1515046). Advanced modeling of protein sequence and biophysical properties (such as structural, functional, and spatial information, amino acid conservation, physicochemical variation, residue mobility, and thermodynamic stability) performed at Invitae indicates that this missense variant is not expected to disrupt PTDSS1 protein function with a negative predictive value of 80%. In summary, the available evidence is currently insufficient to determine the role of this variant in disease. Therefore, it has been classified as a Variant of Uncertain Significance.